The following is an entry in ClinVar:

NM_005159.5(ACTC1):c.809-58TG[21]

Genes: ACTC1 (actin alpha cardiac muscle 1; minus strand), GJD2-DT (GJD2 divergent transcript; plus strand). Cytogenetic location: 15q14.
Variant type: Microsatellite.
Coding change: c.809-58TG[21] on transcript NM_005159.5 (MANE Select); 21 copies in a row of the 2-base unit TG starting at c.809-58; the reference has 23 copies in a row; two copies, 4 bases deleted.
Molecular consequence: intron variant.
Genome position (GRCh38, 1-based): chr15:34,791,308-34,791,311, CACA deleted on the plus strand (TGTG on the coding strand, the reverse complement: ACTC1 is on the minus strand); deleting any 4 consecutive bases within chr15:34,791,308-34,791,353 gives the same sequence; the position shown is the placement nearest the transcript's 3' end. VCF-style (leftmost placement, unchanged base first): chr15-34791307-TCACA-T. GRCh37 (hg19) VCF-style: chr15-35083508-TCACA-T.
Other names: c.809-16_809-13delTGTG (NM_005159.4).
Identifiers: ClinVar variation 315708 (VCV000315708.19), dbSNP rs59431308, ClinGen allele CA10635871.

ClinVar aggregate classification (germline): Conflicting classifications of pathogenicity. Review status: criteria provided, conflicting classifications (1 of 4 stars). 7 submissions from 7 submitters: Uncertain significance (1); Benign (3); Likely benign (1). 2 of the submissions do not count toward it. Last evaluated 2026-02-04.

Conditions:
Cardiovascular phenotype. Identifiers: MedGen CN230736.
Hypertrophic cardiomyopathy 11. Also called: ACTC1-Related Familial Hypertrophic Cardiomyopathy. Identifiers: MedGen C2677506, MONDO:0012799, OMIM 612098.
Atrial septal defect 5 (ASD5). Identifiers: Orphanet 1478, MedGen C2748552, MONDO:0013011, OMIM 612794.
Dilated cardiomyopathy 1R (CMD1R). Identifiers: Orphanet 154, Orphanet 54260, MedGen C3150681, MONDO:0013261, OMIM 613424.

Submissions (7):

Labcorp Genetics (formerly Invitae), Labcorp
Classification: Likely benign for Dilated cardiomyopathy 1R; Hypertrophic cardiomyopathy 11; Atrial septal defect 5. Last evaluated: 2026-02-04. Review status: criteria provided, single submitter. Criteria: Invitae Variant Classification Sherloc (09022015). Collection method: clinical testing. Allele origin: germline.

Blueprint Genetics
Classification: Benign. Last evaluated: 2024-11-27. Review status: criteria provided, single submitter. Criteria: ACMG Guidelines, 2015. Collection method: clinical testing. Allele origin: germline.

Women's Health and Genetics/Laboratory Corporation of America, LabCorp
Classification: Benign. Last evaluated: 2019-08-12. Review status: criteria provided, single submitter. Criteria: LabCorp Variant Classification Summary - May 2015. Collection method: clinical testing. Allele origin: germline.
Comment: Variant summary: ACTC1 c.809-16_809-13delTGTG alters a nucleotide located close to a canonical splice site and therefore could affect mRNA splicing, leading to a significantly altered protein sequence. 5/5 computational tools predict no significant impact on normal splicing. However, these predictions have yet to be confirmed by functional studies. The variant allele was found at a frequency of 0.14 in 24922 control chromosomes in the gnomAD database, including 309 homozygotes. The observed variant frequency is approximately 5446-folds over the estimated maximal expected allele frequency for a pathogenic variant in ACTC1 causing Cardiomyopathy phenotype (2.5e-05), strongly suggesting that the variant is benign. Two ClinVar submissions (evaluation after 2014) cite the variant once as benign and once as uncertain significance. Based on the evidence outlined above, the variant was classified as benign.

GeneDx
Classification: Benign. Last evaluated: 2018-06-09. Review status: criteria provided, single submitter. Criteria: GeneDx Variant Classification Process June 2021. Collection method: clinical testing. Allele origin: germline. Affected: yes.

Ambry Genetics
Classification: Uncertain significance for Cardiovascular phenotype. Last evaluated: 2015-11-16. Review status: criteria provided, single submitter. Criteria: Ambry Variant Classification Scheme 2023. Collection method: clinical testing. Allele origin: germline.
Comment: The c.809-16_809-13delTGTG alteration is located in Intron 5 (E) of the ACTC1 gene. This alteration consists of a deletion of 4 nucleotides at nucleotide position c.809-16 Intron 5 (E). Based on insufficient or conflicting evidence, the clinical significance of this alteration remains unclear.

Genome Diagnostics Laboratory, University Medical Center Utrecht
Classification: Benign. Review status: no assertion criteria provided. Collection method: clinical testing. Allele origin: germline. Affected: yes. Study: VKGL Data-share Consensus. Not counted in ClinVar's aggregate classification.

Joint Genome Diagnostic Labs from Nijmegen and Maastricht, Radboudumc and MUMC+
Classification: Benign. Review status: no assertion criteria provided. Collection method: clinical testing. Allele origin: germline. Affected: yes. Study: VKGL Data-share Consensus. Not counted in ClinVar's aggregate classification.